The following is an entry in ClinVar:

NM_000135.4(FANCA):c.1010C>T (p.Ser337Phe)

Gene: FANCA (FA complementation group A; minus strand). Cytogenetic location: 16q24.3.
Variant type: single nucleotide variant.
Coding change: c.1010C>T on transcript NM_000135.4 (MANE Select); coding-DNA position 1010, C replaced by T.
Protein change: p.Ser337Phe; replaces serine 337 with phenylalanine.
Molecular consequence: missense variant.
Genome position (GRCh38, 1-based): chr16:89,792,544, G>A on the plus strand (C>T on the coding strand, the complement: FANCA is on the minus strand). VCF-style: chr16-89792544-G-A. GRCh37 (hg19) VCF-style: chr16-89858952-G-A.
Other names: c.1010C>T, p.Ser337Phe (NM_001286167.3); short protein forms S337F.
Identifiers: ClinVar variation 4022224 (VCV004022224.1).
Genomic context (GRCh38, chr16:89,792,544, plus strand): 5'-GAGGTGAGCAGAGGGTGTGTCCGCGCAAAGCTCCACTCTCTCTGCATCTGAACAGCATCA[G>A]ATGCTGCAGGGGGAGAAACAGACAAAAACTTCAAGTCAGAGATCAAAAAGTTGTGGGTTT-3'
Protein context (NP_000126.2, residues 327-347): ILTHSPVLKA[Ser337Phe]DAVQMQREWS

ClinVar aggregate classification (germline): Uncertain significance (1 of 4 stars; one submission).

Conditions:
Inborn genetic diseases. Identifiers: MedGen C0950123, MeSH D030342.

Submission:

Ambry Genetics
Classification: Uncertain significance for Inborn genetic diseases. Last evaluated: 2025-04-28. Review status: criteria provided, single submitter. Criteria: Ambry Variant Classification Scheme 2023. Collection method: clinical testing. Allele origin: germline.
Comment: The p.S337F variant (also known as c.1010C>T), located in coding exon 12 of the FANCA gene, results from a C to T substitution at nucleotide position 1010. The serine at codon 337 is replaced by phenylalanine, an amino acid with highly dissimilar properties. This amino acid position is conserved. In addition, the in silico prediction for this alteration is inconclusive. Based on the available evidence, the clinical significance of this variant remains unclear.